The following is an entry in ClinVar:

NM_002241.5(KCNJ10):c.998T>C (p.Val333Ala)

Gene: KCNJ10 (potassium inwardly rectifying channel subfamily J member 10; minus strand). Cytogenetic location: 1q23.2.
Variant type: single nucleotide variant.
Coding change: c.998T>C on transcript NM_002241.5 (MANE Select); coding-DNA position 998, T replaced by C.
Protein change: p.Val333Ala; replaces valine 333 with alanine.
Molecular consequence: missense variant.
Genome position (GRCh38, 1-based): chr1:160,041,535, A>G on the plus strand (T>C on the coding strand, the complement: KCNJ10 is on the minus strand). VCF-style: chr1-160041535-A-G. GRCh37 (hg19) VCF-style: chr1-160011325-A-G.
Other names: p.V333A:GTT>GCT; short protein forms V333A.
Identifiers: ClinVar variation 205830 (VCV000205830.9), dbSNP rs750091894, ClinGen allele CA315286.

ClinVar aggregate classification (germline): Uncertain significance. Review status: criteria provided, multiple submitters, no conflicts (2 of 4 stars). 2 submissions from 2 submitters: Uncertain significance (2). Last evaluated 2022-07-12.

Conditions:
EAST syndrome (SESAMES). Also called: SEIZURES, SENSORINEURAL DEAFNESS, ATAXIA, IMPAIRED INTELLECTUAL DEVELOPMENT, AND ELECTROLYTE IMBALANCE. Identifiers: Orphanet 199343, MedGen C2748572, MONDO:0013005, OMIM 612780.

Allele frequency attached by ClinVar (database versions not stated): gnomAD exomes below 0.00001; ExAC 0.00001; gnomAD 0.00001; TOPMed 0.00001.
gnomAD v4.1: 6 of 1,614,022 alleles (0.00037%); highest among the groups gnomAD compares: South Asian, 0.0011%; no homozygotes.

Submissions (2):

Labcorp Genetics (formerly Invitae), Labcorp
Classification: Uncertain significance for EAST syndrome. Last evaluated: 2022-07-12. Review status: criteria provided, single submitter. Criteria: Invitae Variant Classification Sherloc (09022015). Collection method: clinical testing. Allele origin: germline.
Comment: Algorithms developed to predict the effect of missense changes on protein structure and function are either unavailable or do not agree on the potential impact of this missense change (SIFT: "Tolerated"; PolyPhen-2: "Probably Damaging"; Align-GVGD: "Class C0"). In summary, the available evidence is currently insufficient to determine the role of this variant in disease. Therefore, it has been classified as a Variant of Uncertain Significance. ClinVar contains an entry for this variant (Variation ID: 205830). This variant has not been reported in the literature in individuals affected with KCNJ10-related conditions. This variant is present in population databases (rs750091894, gnomAD 0.0009%). This sequence change replaces valine, which is neutral and non-polar, with alanine, which is neutral and non-polar, at codon 333 of the KCNJ10 protein (p.Val333Ala).

GeneDx
Classification: Uncertain significance. Last evaluated: 2014-12-24. Review status: criteria provided, single submitter. Criteria: GeneDx Variant Classification (06012015). Collection method: clinical testing. Allele origin: germline. Affected: yes.
Comment: p.Val333Ala (GTT>GCT): c.998 T>C in exon 2 of the KCNJ10 gene (NM_002241.4). A variant of unknown significance has been identified in the KCNJ10 gene. The V333A variant has not been published as a mutation, nor has it been reported as a benign polymorphism to our knowledge. It was not observed in approximately 6,500 individuals of European and African American ancestry in the NHLBI Exome Sequencing Project, indicating it is not a common benign variant in these populations. This substitution occurs at a position that is highly conserved across species. In silico analysis predicts this variant is probably damaging to the protein structure/function. However, the V333A variant is a conservative amino acid substitution, which is not likely to impact secondary protein structure as these residues share similar properties. Additionally, missense mutations in nearby residues have been not reported in association with KCNJ10-related disorders. Therefore, based on the currently available information, it is unclear whether this variant is a pathogenic mutation or a rare benign variant. The variant is found in EPILEPSYV2-1 panel(s).